The following is an entry in ClinVar:

NM_002471.4(MYH6):c.3479C>A (p.Ser1160Tyr)

Gene: MYH6 (myosin heavy chain 6; minus strand). Cytogenetic location: 14q11.2.
Variant type: single nucleotide variant.
Coding change: c.3479C>A on transcript NM_002471.4 (MANE Select); coding-DNA position 3479, C replaced by A.
Protein change: p.Ser1160Tyr; replaces serine 1160 with tyrosine.
Molecular consequence: missense variant.
Genome position (GRCh38, 1-based): chr14:23,390,310, G>T on the plus strand (C>A on the coding strand, the complement: MYH6 is on the minus strand). VCF-style: chr14-23390310-G-T. GRCh37 (hg19) VCF-style: chr14-23859519-G-T.
Other names: short protein forms S1160Y.
Identifiers: ClinVar variation 956452 (VCV000956452.10), dbSNP rs750502101, ClinGen allele CA7115166.

ClinVar aggregate classification (germline): Uncertain significance (1 of 4 stars; one submission).

Conditions:
Hypertrophic cardiomyopathy 14. Identifiers: MedGen C2750467, MONDO:0013197, OMIM 613251.

Allele frequency attached by ClinVar (database versions not stated): gnomAD below 0.00001 and 0.00002; gnomAD exomes 0.00001; ExAC 0.00003; 1000 Genomes Project 30x 0.00016.

Submission:

Labcorp Genetics (formerly Invitae), Labcorp
Classification: Uncertain significance for Hypertrophic cardiomyopathy 14. Last evaluated: 2022-05-24. Review status: criteria provided, single submitter. Criteria: Invitae Variant Classification Sherloc (09022015). Collection method: clinical testing. Allele origin: germline.
Comment: In summary, the available evidence is currently insufficient to determine the role of this variant in disease. Therefore, it has been classified as a Variant of Uncertain Significance. Algorithms developed to predict the effect of missense changes on protein structure and function are either unavailable or do not agree on the potential impact of this missense change (SIFT: "Deleterious"; PolyPhen-2: "Probably Damaging"; Align-GVGD: "Class C0"). ClinVar contains an entry for this variant (Variation ID: 956452). This variant has not been reported in the literature in individuals affected with MYH6-related conditions. This variant is present in population databases (rs750502101, gnomAD 0.01%). This sequence change replaces serine, which is neutral and polar, with tyrosine, which is neutral and polar, at codon 1160 of the MYH6 protein (p.Ser1160Tyr).